The following is an entry in ClinVar:

NM_001253852.3(AP4B1):c.880T>C (p.Phe294Leu)

Genes: AP4B1 (adaptor related protein complex 4 subunit beta 1; minus strand), AP4B1-AS1 (AP4B1 antisense RNA 1; plus strand). Cytogenetic location: 1p13.2.
Variant type: single nucleotide variant.
Coding change: c.880T>C on transcript NM_001253852.3 (MANE Select); coding-DNA position 880, T replaced by C.
Protein change: p.Phe294Leu; replaces phenylalanine 294 with leucine.
Molecular consequence: missense variant. On other transcripts: non-coding transcript variant (2).
Genome position (GRCh38, 1-based): chr1:113,900,138, A>G on the plus strand (T>C on the coding strand, the complement: AP4B1 is on the minus strand). VCF-style: chr1-113900138-A-G. GRCh37 (hg19) VCF-style: chr1-114442760-A-G.
Other names: c.583T>C, p.Phe195Leu (NM_001253853.3); c.376T>C, p.Phe126Leu (NM_001308312.2); c.880T>C, p.Phe294Leu (NM_006594.5); short protein forms F195L, F294L, F126L.
Identifiers: ClinVar variation 641009 (VCV000641009.9), dbSNP rs541013298, ClinGen allele CA1015992.

ClinVar aggregate classification (germline): Uncertain significance (1 of 4 stars; one submission).

Conditions:
Hereditary spastic paraplegia 47. Also called: CEREBRAL PALSY, SPASTIC QUADRIPLEGIC, 5; Spastic paraplegia 47, autosomal recessive; adaptor protein 4 (AP-4) deficiency syndrome. Identifiers: Orphanet 280763, MedGen C3279738, MONDO:0013551, OMIM 614066.

Allele frequency attached by ClinVar (database versions not stated): gnomAD exomes below 0.00001; ExAC 0.00001; gnomAD 0.00001; 1000 Genomes Project 30x 0.00016; 1000 Genomes Project 0.00020.
gnomAD v4.1: 3 of 1,614,192 alleles (0.00019%); highest among the groups gnomAD compares: East Asian, 0.0022%; no homozygotes.

Submission:

Labcorp Genetics (formerly Invitae), Labcorp
Classification: Uncertain significance for Hereditary spastic paraplegia 47. Last evaluated: 2022-02-24. Review status: criteria provided, single submitter. Criteria: Invitae Variant Classification Sherloc (09022015). Collection method: clinical testing. Allele origin: germline.
Comment: This variant has not been reported in the literature in individuals affected with AP4B1-related conditions. This sequence change replaces phenylalanine, which is neutral and non-polar, with leucine, which is neutral and non-polar, at codon 294 of the AP4B1 protein (p.Phe294Leu). This variant is present in population databases (rs541013298, gnomAD 0.006%). ClinVar contains an entry for this variant (Variation ID: 641009). Algorithms developed to predict the effect of missense changes on protein structure and function are either unavailable or do not agree on the potential impact of this missense change (SIFT: "Deleterious"; PolyPhen-2: "Probably Damaging"; Align-GVGD: "Class C0"). In summary, the available evidence is currently insufficient to determine the role of this variant in disease. Therefore, it has been classified as a Variant of Uncertain Significance.